The following is an entry in ClinVar:

NC_000003.11:g.(?_154858078)_(155056072_?)del

Gene: MME (membrane metalloendopeptidase; plus strand). Cytogenetic location: 3q25.2-25.31.
Variant type: Deletion.
Identifiers: ClinVar variation 3247007 (VCV003247007.1).

ClinVar aggregate classification (germline): Pathogenic (1 of 4 stars; one submission).

Submission:

Labcorp Genetics (formerly Invitae), Labcorp
Classification: Pathogenic. Last evaluated: 2022-12-19. Review status: criteria provided, single submitter. Criteria: Invitae Variant Classification Sherloc (09022015). Collection method: clinical testing. Allele origin: unknown.
Comment: In summary, the available evidence is currently insufficient to determine the role of this variant in disease. Therefore, it has been classified as a Variant of Uncertain Significance. This variant disrupts a region of the MME protein in which other variant(s) (p.Gly577Asp) have been determined to be pathogenic (Invitae). This suggests that this is a clinically significant region of the protein, and that variants that disrupt it are likely to be disease-causing. This variant has not been reported in the literature in individuals affected with MME-related conditions. This variant results in the deletion of exons 10-23 of the MME gene. While this deletion is not anticipated to lead to nonsense mediated decay, it is expected to alter mRNA translation or result in a truncated protein product.